The following is an entry in ClinVar:

NM_015102.5(NPHP4):c.3915C>T (p.Leu1305=)

Gene: NPHP4 (nephrocystin 4; minus strand). Cytogenetic location: 1p36.31.
Variant type: single nucleotide variant.
Coding change: c.3915C>T on transcript NM_015102.5 (MANE Select); coding-DNA position 3915, C replaced by T.
Protein change: p.Leu1305=; no amino-acid change (leucine 1305 retained).
Molecular consequence: synonymous variant. On other transcripts: non-coding transcript variant (1).
Genome position (GRCh38, 1-based): chr1:5,864,419, G>A on the plus strand (C>T on the coding strand, the complement: NPHP4 is on the minus strand). VCF-style: chr1-5864419-G-A. GRCh37 (hg19) VCF-style: chr1-5924479-G-A.
Other names: c.2376C>T, p.Leu792= (NM_001291593.2); c.2379C>T, p.Leu793= (NM_001291594.2).
Identifiers: ClinVar variation 1561661 (VCV001561661.12), dbSNP rs370424194, ClinGen allele CA553418.

ClinVar aggregate classification (germline): Likely benign. Review status: criteria provided, multiple submitters, no conflicts (2 of 4 stars). 4 submissions from 4 submitters: Likely benign (4). Last evaluated 2025-11-25.

Conditions:
Kidney disorder. Also called: renal disease; Nephropathy; Kidney disease; Kidney Diseases; renal disorder. Identifiers: MedGen C0022658, MONDO:0005240, HP:0000112.
Nephronophthisis. Also called: Juvenile Nephronophthisis. Identifiers: Orphanet 655, MedGen C0687120, MONDO:0019005, HP:0000090.
NPHP4-related disorder. Also called: NPHP4-related condition; NPHP4-related disorders. Identifiers: MedGen CN239384.

Allele frequency attached by ClinVar (database versions not stated): gnomAD exomes below 0.00001 and 0.00001; ExAC 0.00001; gnomAD 0.00005 and 0.00006; ESP Exome Variant Server 0.00008; TOPMed 0.00008.
gnomAD v4.1: 20 of 1,611,670 alleles (0.0012%); highest among the groups gnomAD compares: African/African-American, 0.023%; no homozygotes.

Submissions (4):

Labcorp Genetics (formerly Invitae), Labcorp
Classification: Likely benign for Nephronophthisis. Last evaluated: 2025-11-25. Review status: criteria provided, single submitter. Criteria: Invitae Variant Classification Sherloc (09022015). Collection method: clinical testing. Allele origin: germline.

PreventionGenetics, part of Exact Sciences
Classification: Likely benign for NPHP4-related condition. Last evaluated: 2025-05-22. Review status: criteria provided, single submitter. Criteria: ACMG Guidelines, 2015. Collection method: clinical testing. Allele origin: germline.
Comment: This variant is classified as likely benign based on ACMG/AMP sequence variant interpretation guidelines (Richards et al. 2015 PMID: 25741868, with internal and published modifications).

Blueprint Genetics
Classification: Likely benign. Last evaluated: 2022-02-07. Review status: criteria provided, single submitter. Criteria: ACMG Guidelines, 2015. Collection method: clinical testing. Allele origin: germline.

Genome Diagnostics Laboratory, The Hospital for Sick Children
Classification: Likely benign for Kidney disorder. Last evaluated: 2016-12-12. Review status: criteria provided, single submitter. Criteria: ACMG Guidelines, 2015. Collection method: clinical testing. Allele origin: germline.